The following is an entry in ClinVar:

ClinVar aggregate classification (germline): Pathogenic (1 of 4 stars; one submission).

Conditions:
Peutz-Jeghers syndrome (PJS). Also called: POLYPOSIS, HAMARTOMATOUS INTESTINAL; POLYPS-AND-SPOTS SYNDROME; Peutz-Jeghers polyposis; Periorificial lentiginosis syndrome. Identifiers: Orphanet 2869, MedGen C0031269, MeSH D010580, MONDO:0008280, OMIM 175200.

Submission:

Labcorp Genetics (formerly Invitae), Labcorp
Classification: Pathogenic for Peutz-Jeghers syndrome. Last evaluated: 2023-09-27. Review status: criteria provided, single submitter. Criteria: Invitae Variant Classification Sherloc (09022015). Collection method: clinical testing. Allele origin: germline.
Comment: This variant, c.897_905del, results in the deletion of 3 amino acid(s) of the STK11 protein (p.Ile303_Gln305del), but otherwise preserves the integrity of the reading frame. This variant is not present in population databases (gnomAD no frequency). This variant has been observed in individuals with Peutz-Jeghers syndrome (PMID: 15863673, 19908348, 30528796). This variant disrupts a region of the STK11 protein in which other variant(s) (p.Arg304Trp) have been determined to be pathogenic (PMID: 9809980, 12865922, 15121768, 17404884). This suggests that this is a clinically significant region of the protein, and that variants that disrupt it are likely to be disease-causing. For these reasons, this variant has been classified as Pathogenic.

Literature cited by the submitters: PubMed 15863673; PubMed 19908348; PubMed 30528796; PubMed 9809980; PubMed 12865922; PubMed 15121768; PubMed 17404884.

NM_000455.5(STK11):c.897_905del (p.300IRQ[1])

Gene: STK11 (serine/threonine kinase 11; plus strand). Cytogenetic location: 19p13.3.
Variant type: Deletion.
Coding change: c.897_905del on transcript NM_000455.5 (MANE Select); coding-DNA positions 897 to 905, 9 bases deleted (CATCCGGCA; older notation c.897_905delCATCCGGCA).
Protein change: p.300IRQ[1].
Molecular consequence: inframe deletion. On other transcripts: non-coding transcript variant (1).
Genome position (GRCh38, 1-based): chr19:1,221,983-1,221,991, CATCCGGCA deleted. VCF-style (leftmost placement, unchanged base first): chr19-1221982-CCATCCGGCA-C. GRCh37 (hg19) VCF-style: chr19-1221981-CCATCCGGCA-C.
Other names: c.897_905del, p.300IRQ[1] (NM_001407255.1).
Identifiers: ClinVar variation 2763826 (VCV002763826.3), dbSNP rs2512946669, ClinGen allele CA2697555604.